The following is an entry in ClinVar:

ClinVar aggregate classification (germline): Benign. Review status: criteria provided, multiple submitters, no conflicts (2 of 4 stars). 3 submissions from 3 submitters: Benign (3). Last evaluated 2026-01-31.

Conditions:
Atransferrinemia. Also called: Familial hypotransferrinemia. Identifiers: Orphanet 1195, MedGen C0521802, MONDO:0008846, OMIM 209300, HP:0012239.

Allele frequency attached by ClinVar (database versions not stated): gnomAD exomes 0.00281; ExAC 0.00344; gnomAD 0.01106 and 0.01173; TOPMed 0.01265; ESP Exome Variant Server 0.01292; 1000 Genomes Project 0.01318; 1000 Genomes Project 30x 0.01499.
gnomAD v4.1: 3,406 of 1,614,156 alleles (0.21%); highest among the groups gnomAD compares: African/African-American, 3.9%; 71 homozygotes.

Submissions (6):

Labcorp Genetics (formerly Invitae), Labcorp
Classification: Benign. Last evaluated: 2026-01-31. Review status: criteria provided, single submitter. Criteria: Invitae Variant Classification Sherloc (09022015). Collection method: clinical testing. Allele origin: germline.

Illumina Laboratory Services, Illumina
Classification: Benign for Atransferrinemia. Last evaluated: 2018-01-12. Review status: criteria provided, single submitter. Criteria: ICSL Variant Classification Criteria 13 December 2019. Collection method: clinical testing. Allele origin: germline.
Comment: This variant was observed in the ICSL laboratory as part of a predisposition screen in an ostensibly healthy population. It had not been previously curated by ICSL or reported in the Human Gene Mutation Database (HGMD: prior to June 1st, 2018), and was therefore a candidate for classification through an automated scoring system. Utilizing variant allele frequency, disease prevalence and penetrance estimates, and inheritance mode, an automated score was calculated to assess if this variant is too frequent to cause the disease. Based on the score and internal cut-off values, a variant classified as benign is not then subjected to further curation. The score for this variant resulted in a classification of benign for this disease.

Breakthrough Genomics
Classification: Benign. Review status: criteria provided, single submitter. Criteria: ACMG Guidelines, 2015. Collection method: not provided. Allele origin: germline. Inheritance: Autosomal recessive inheritance. Affected: yes.

Dr. Peter K. Rogan Lab, Western University
No classification provided (evidence only). Condition: Lung cancer. Review status: no classification provided. Collection method: in vitro. Allele origin: not applicable. Functional consequence: retained intron. Not counted in ClinVar's aggregate classification.

Dr. Peter K. Rogan Lab, Western University
No classification provided (evidence only). Condition: Thyroid cancer, nonmedullary, 1. Review status: no classification provided. Collection method: in vitro. Allele origin: not applicable. Functional consequence: retained intron. Not counted in ClinVar's aggregate classification.

Dr. Peter K. Rogan Lab, Western University
No classification provided (evidence only). Condition: Hepatocellular carcinoma. Review status: no classification provided. Collection method: in vitro. Allele origin: not applicable. Functional consequence: retained intron. Not counted in ClinVar's aggregate classification.

NM_001063.4(TF):c.1614C>T (p.Gly538=)

Gene: TF (transferrin; plus strand). Cytogenetic location: 3q22.1.
Variant type: single nucleotide variant.
Coding change: c.1614C>T on transcript NM_001063.4 (MANE Select); coding-DNA position 1614, C replaced by T.
Protein change: p.Gly538=; no amino-acid change (glycine 538 retained).
Molecular consequence: synonymous variant.
Genome position (GRCh38, 1-based): chr3:133,768,156, C>T. VCF-style: chr3-133768156-C-T. GRCh37 (hg19) VCF-style: chr3-133487000-C-T.
Other names: c.1482C>T, p.Gly494= (NM_001354703.2); c.1233C>T, p.Gly411= (NM_001354704.2).
Identifiers: ClinVar variation 343446 (VCV000343446.16), dbSNP rs8177286, ClinGen allele CA2625340.
Genomic context (GRCh38, chr3:133,768,156, plus strand): 5'-GGGCTCAGGCCTAAACCTGTGTGAACCCAACAACAAAGAGGGATACTACGGCTACACAGG[C>T]GCTTTCAGGTGAGTCTTTTAACCCTGAAACAAATAGAATAATATACAAGCCCTGGCCAGA-3'
Protein context (NP_001054.2, residues 528-548): NNKEGYYGYT[Gly538=]AFRCLVEKGD